The following is an entry in ClinVar:

ClinVar aggregate classification (germline): Pathogenic/Likely pathogenic. Review status: criteria provided, multiple submitters, no conflicts (2 of 4 stars). 8 submissions from 8 submitters: Pathogenic (6); Likely pathogenic (1). 1 of the submissions does not count toward it. Last evaluated 2025-06-12.

Conditions:
Xeroderma pigmentosum (XP). Identifiers: Orphanet 910, MedGen C0043346, MONDO:0019600.
Xeroderma pigmentosum group A (XPA). Also called: XPA-Related Xeroderma Pigmentosum; Xeroderma pigmentosum, complementation group A; XP, group A. Identifiers: Orphanet 910, MedGen C0268135, MONDO:0010210, OMIM 278700.

Allele frequency attached by ClinVar (database versions not stated): gnomAD exomes below 0.00001; ExAC 0.00001; TOPMed 0.00001; ESP Exome Variant Server 0.00008.

Submissions (8):

3billion
Classification: Pathogenic for Xeroderma pigmentosum group A. Last evaluated: 2025-06-12. Review status: criteria provided, single submitter. Criteria: ACMG Guidelines, 2015. Collection method: clinical testing. Allele origin: germline. Affected: yes.
Comment: The variant is observed at an extremely low frequency in the gnomAD v4.1.0 dataset (total allele frequency: <0.001%). Predicted Consequence/Location: Stop-gained (nonsense): predicted to result in a loss or disruption of normal protein function through protein truncation. The predicted truncated protein may be shortened by more than 10%. The variant has been reported at least twice as pathogenic with clinical assertions and evidence for the classification (ClinVar ID: VCV000551809 /PMID: 1372103). Therefore, this variant is classified as Pathogenic according to the recommendation of ACMG/AMP guideline.

Fulgent Genetics
Classification: Likely pathogenic for Xeroderma pigmentosum group A. Last evaluated: 2024-03-20. Review status: criteria provided, single submitter. Criteria: ACMG Guidelines, 2015. Collection method: clinical testing. Allele origin: germline.

Labcorp Genetics (formerly Invitae), Labcorp
Classification: Pathogenic. Last evaluated: 2024-02-22. Review status: criteria provided, single submitter. Criteria: Invitae Variant Classification Sherloc (09022015). Collection method: clinical testing. Allele origin: germline.
Comment: This sequence change creates a premature translational stop signal (p.Arg211*) in the XPA gene. While this is not anticipated to result in nonsense mediated decay, it is expected to disrupt the last 63 amino acid(s) of the XPA protein. This variant is present in population databases (rs149226993, gnomAD 0.007%). This premature translational stop signal has been observed in individuals with xeroderma pigmentosum (PMID: 1372103, 27607234). ClinVar contains an entry for this variant (Variation ID: 551809). This variant disrupts a region of the XPA protein in which other variant(s) (p.Arg228*) have been determined to be pathogenic (PMID: 8105686, 9671271, 24135642, 27607234). This suggests that this is a clinically significant region of the protein, and that variants that disrupt it are likely to be disease-causing. For these reasons, this variant has been classified as Pathogenic.

Baylor Genetics
Classification: Pathogenic for Xeroderma pigmentosum group A. Last evaluated: 2023-10-30. Review status: criteria provided, single submitter. Criteria: ACMG Guidelines, 2015. Collection method: clinical testing. Allele origin: unknown.

GeneDx
Classification: Pathogenic. Last evaluated: 2022-04-06. Review status: criteria provided, single submitter. Criteria: GeneDx Variant Classification Process June 2021. Collection method: clinical testing. Allele origin: germline. Affected: yes.
Comment: Nonsense variant in the C-terminus predicted to result in protein truncation, as the last 63 amino acids are lost, and other loss-of-function variants have been reported downstream in HGMD; Not observed at significant frequency in large population cohorts (gnomAD); This variant is associated with the following publications: (PMID: 25525159, 1372103, 15214909, 31350202, 27607234)

Women's Health and Genetics/Laboratory Corporation of America, LabCorp
Classification: Pathogenic for Xeroderma pigmentosum. Last evaluated: 2018-11-29. Review status: criteria provided, single submitter. Criteria: LabCorp Variant Classification Summary - May 2015. Collection method: clinical testing. Allele origin: germline.
Comment: Variant summary: XPA c.631C>T (p.Arg211X) results in a premature termination codon, predicted to cause a truncation of the encoded protein or absence of the protein due to nonsense mediated decay, which are commonly known mechanisms for disease. The variant allele was found at a frequency of 4.1e-06 in 245906 control chromosomes (gnomAD). c.631C>T has been reported in the literature in multiple homozygote and compound heterozygote individuals affected with Xeroderma Pigmentosum (Satokata_1992, Zhou_2017). These data indicate that the variant is very likely to be associated with disease. A functional study indicates that the variant would "cause instability of the XPAC mRNA and loss of repair activity of the XPAC protein." (Satokata_1992) A ClinVar submission from a clinical diagnostic laboratory (evaluation after 2014) cties the variant as likely pathogenic. Based on the evidence outlined above, the variant was classified as pathogenic.

Juno Genomics, Hangzhou Juno Genomics, Inc
Classification: Pathogenic for Xeroderma pigmentosum group A. Review status: criteria provided, single submitter. Criteria: ACMG Guidelines, 2015. Collection method: clinical testing. Allele origin: germline.
Comment: Absent from controls (or at extremely low frequency if recessive) in Genome Aggregation Database.;Null variant in a gene where loss of function (LOF) is a known mechanism of disease.;For recessive disorders, detected in trans with a pathogenic variant.

Counsyl
Classification: Likely pathogenic for Xeroderma pigmentosum group A. Last evaluated: 2017-05-09. Review status: no assertion criteria provided. Collection method: clinical testing. Allele origin: unknown. Not counted in ClinVar's aggregate classification.

Literature cited by the submitters: PubMed 1372103 (cited by 4 submitters); PubMed 27607234 (cited by 3 submitters); PubMed 8105686 (cited by Labcorp Genetics (formerly Invitae), Labcorp); PubMed 9671271 (cited by Labcorp Genetics (formerly Invitae), Labcorp and Counsyl); PubMed 24135642 (cited by Labcorp Genetics (formerly Invitae), Labcorp); PubMed 15214909 (cited by Counsyl).

NM_000380.4(XPA):c.631C>T (p.Arg211Ter)

Gene: XPA (XPA, DNA damage recognition and repair factor; minus strand). Cytogenetic location: 9q22.33.
Variant type: single nucleotide variant.
Coding change: c.631C>T on transcript NM_000380.4 (MANE Select); coding-DNA position 631, C replaced by T.
Protein change: p.Arg211Ter; replaces arginine 211 with a stop codon.
Molecular consequence: nonsense. On other transcripts: non-coding transcript variant (5).
Genome position (GRCh38, 1-based): chr9:97,684,965, G>A on the plus strand (C>T on the coding strand, the complement: XPA is on the minus strand). VCF-style: chr9-97684965-G-A. GRCh37 (hg19) VCF-style: chr9-100447247-G-A.
Other names: c.505C>T, p.Arg169Ter (NM_001354975.2); short protein forms R211*, R169*.
Identifiers: ClinVar variation 551809 (VCV000551809.17), dbSNP rs149226993, ClinGen allele CA5148774.